The following is an entry in ClinVar:

ClinVar aggregate classification (germline): Uncertain significance. Review status: criteria provided, multiple submitters, no conflicts (2 of 4 stars). 3 submissions from 3 submitters: Uncertain significance (2). 1 of the submissions does not count toward it. Last evaluated 2025-11-12.

Allele frequency attached by ClinVar (database versions not stated): gnomAD exomes below 0.00001 and 0.00001; gnomAD 0.00001; TOPMed 0.00001; 1000 Genomes Project 30x 0.00016; 1000 Genomes Project 0.00020.
gnomAD v4.1: 8 of 1,613,692 alleles (0.0005%); highest among the groups gnomAD compares: East Asian, 0.0022%; no homozygotes.

Submissions (3):

Labcorp Genetics (formerly Invitae), Labcorp
Classification: Uncertain significance. Last evaluated: 2025-11-12. Review status: criteria provided, single submitter. Criteria: Invitae Variant Classification Sherloc (09022015). Collection method: clinical testing. Allele origin: germline.
Comment: This sequence change replaces arginine, which is basic and polar, with histidine, which is basic and polar, at codon 1145 of the CACNA1D protein (p.Arg1145His). This variant is present in population databases (rs570417253, gnomAD 0.006%). This variant has not been reported in the literature in individuals affected with CACNA1D-related conditions. ClinVar contains an entry for this variant (Variation ID: 1315314). Invitae Evidence Modeling of protein sequence and biophysical properties (such as structural, functional, and spatial information, amino acid conservation, physicochemical variation, residue mobility, and thermodynamic stability) indicates that this missense variant is not expected to disrupt CACNA1D protein function with a negative predictive value of 80%. In summary, the available evidence is currently insufficient to determine the role of this variant in disease. Therefore, it has been classified as a Variant of Uncertain Significance.

GeneDx
Classification: Uncertain significance. Last evaluated: 2024-11-18. Review status: criteria provided, single submitter. Criteria: GeneDx Variant Classification Process June 2021. Collection method: clinical testing. Allele origin: germline. Affected: yes.
Comment: In silico analysis supports that this missense variant has a deleterious effect on protein structure/function; Has not been previously published as pathogenic or benign to our knowledge

Clinical Genetics Laboratory, University Hospital Schleswig-Holstein
Classification: Uncertain significance. Last evaluated: 2024-02-14. Review status: no assertion criteria provided. Collection method: clinical testing. Allele origin: germline. Affected: yes. Not counted in ClinVar's aggregate classification.

Literature cited by the submitters: PubMed 32571372 (cited by Clinical Genetics Laboratory, University Hospital Schleswig-Holstein); PubMed 25620733 (cited by Clinical Genetics Laboratory, University Hospital Schleswig-Holstein).

NM_001128840.3(CACNA1D):c.3374G>A (p.Arg1125His)

Genes: CACNA1D (calcium voltage-gated channel subunit alpha1 D; plus strand), LOC129936904 (ATAC-STARR-seq lymphoblastoid active region 19969; plus strand). Cytogenetic location: 3p21.1.
Variant type: single nucleotide variant.
Coding change: c.3374G>A on transcript NM_001128840.3 (MANE Select); coding-DNA position 3374, G replaced by A.
Protein change: p.Arg1125His; replaces arginine 1125 with histidine.
Molecular consequence: missense variant.
Genome position (GRCh38, 1-based): chr3:53,749,327, G>A. VCF-style: chr3-53749327-G-A. GRCh37 (hg19) VCF-style: chr3-53783354-G-A.
Other names: c.3434G>A, p.Arg1145His (NM_000720.4); c.3374G>A, p.Arg1125His (NM_001128839.3); short protein forms R1125H, R1145H.
Identifiers: ClinVar variation 1315314 (VCV001315314.8), dbSNP rs570417253, ClinGen allele CA74871842.